The following is an entry in ClinVar:

GRCh38/hg38 5p15.33-15.1(chr5:49978-15678451)x1

Genes: ADAMTS16 (ADAM metallopeptidase with thrombospondin type 1 motif 16; plus strand), ADAMTS16-AS1 (ADAMTS16 antisense RNA 1; minus strand), ADAMTS16-DT (ADAMTS16 divergent transcript; minus strand), ADCY2 (adenylate cyclase 2; plus strand), AHRR (aryl hydrocarbon receptor repressor; plus strand) and 460 more. Cytogenetic location: 5p15.33-15.1.
Variant type: copy number loss.
Change: copy number 1 (one copy instead of two) of chr5:49,978-15,678,451 (15.63 Mb, GRCh38 coordinates, 1-based), cytogenetic band 5p15.33-15.1.
Identifiers: ClinVar variation 161034 (VCV000161034.1).

ClinVar aggregate classification (germline): Pathogenic (1 of 4 stars; one submission).

Submission:

ISCA site 4
Classification: Pathogenic. Last evaluated: 2011-08-12. Review status: criteria provided, single submitter. Criteria: Kaminsky et al. (Genet Med. 2011). Collection method: clinical testing. Allele origin: unknown. Affected: yes. Observed: 1 variant allele.
Comment: Copy number variation identified through the course of routine clinical cytogenomic testing in postnatal populations. Clinical assertions have been curated as described in Kaminsky et al. 2011.